The following is an entry in ClinVar:

ClinVar aggregate classification (germline): Conflicting classifications of pathogenicity. Review status: criteria provided, conflicting classifications (1 of 4 stars). 2 submissions from 2 submitters: Uncertain significance (1); Likely benign (1). Last evaluated 2025-04-21.

Conditions:
KBG syndrome (KBGS). Also called: ANKRD11-Related KBG Syndrome. Identifiers: Orphanet 2332, MedGen C0220687, MONDO:0007846, OMIM 148050.

Allele frequency attached by ClinVar (database versions not stated): gnomAD 0.00002 and 0.00003; gnomAD exomes 0.00002; ExAC 0.00004; TOPMed 0.00004; ESP Exome Variant Server 0.00008; 1000 Genomes Project 0.00020; 1000 Genomes Project 30x 0.00062.
gnomAD v4.1: 39 of 1,613,588 alleles (0.0024%); highest among the groups gnomAD compares: Middle Eastern, 0.033%; no homozygotes.

Submissions (2):

Labcorp Genetics (formerly Invitae), Labcorp
Classification: Uncertain significance for KBG syndrome. Last evaluated: 2025-04-21. Review status: criteria provided, single submitter. Criteria: Invitae Variant Classification Sherloc (09022015). Collection method: clinical testing. Allele origin: germline.
Comment: This sequence change replaces alanine, which is neutral and non-polar, with threonine, which is neutral and polar, at codon 945 of the ANKRD11 protein (p.Ala945Thr). This variant is present in population databases (rs201376347, gnomAD 0.007%). This variant has not been reported in the literature in individuals affected with ANKRD11-related conditions. ClinVar contains an entry for this variant (Variation ID: 1198493). Invitae Evidence Modeling of protein sequence and biophysical properties (such as structural, functional, and spatial information, amino acid conservation, physicochemical variation, residue mobility, and thermodynamic stability) indicates that this missense variant is not expected to disrupt ANKRD11 protein function with a negative predictive value of 95%. In summary, the available evidence is currently insufficient to determine the role of this variant in disease. Therefore, it has been classified as a Variant of Uncertain Significance.

GeneDx
Classification: Likely benign. Last evaluated: 2021-03-16. Review status: criteria provided, single submitter. Criteria: GeneDx Variant Classification Process June 2021. Collection method: clinical testing. Allele origin: germline. Affected: yes.

NM_013275.6(ANKRD11):c.2833G>A (p.Ala945Thr)

Gene: ANKRD11 (ankyrin repeat domain 11; minus strand). Cytogenetic location: 16q24.3.
Variant type: single nucleotide variant.
Coding change: c.2833G>A on transcript NM_013275.6 (MANE Select); coding-DNA position 2833, G replaced by A.
Protein change: p.Ala945Thr; replaces alanine 945 with threonine.
Molecular consequence: missense variant.
Genome position (GRCh38, 1-based): chr16:89,283,709, C>T on the plus strand (G>A on the coding strand, the complement: ANKRD11 is on the minus strand). VCF-style: chr16-89283709-C-T. GRCh37 (hg19) VCF-style: chr16-89350117-C-T.
Other names: c.2833G>A, p.Ala945Thr (NM_001256182.2, NM_001256183.2); short protein forms A945T.
Identifiers: ClinVar variation 1198493 (VCV001198493.7), dbSNP rs201376347, ClinGen allele CA8242502.